The following is an entry in ClinVar:

ClinVar aggregate classification (germline): Uncertain significance. Review status: criteria provided, single submitter (1 of 4 stars). 2 submissions from 2 submitters: Uncertain significance (1). 1 of the submissions does not count toward it. Last evaluated 2025-05-28.

Conditions:
SIM1-related disorder. Also called: SIM1-related condition; SIM1-related disorders.

gnomAD v4.1: 2 of 1,605,204 alleles (0.00012%); highest among the groups gnomAD compares: Admixed American, 0.0034%; no homozygotes.

Submissions (2):

Labcorp Genetics (formerly Invitae), Labcorp
Classification: Uncertain significance. Last evaluated: 2025-05-28. Review status: criteria provided, single submitter. Criteria: Invitae Variant Classification Sherloc (09022015). Collection method: clinical testing. Allele origin: germline.
Comment: This sequence change replaces glycine, which is neutral and non-polar, with arginine, which is basic and polar, at codon 407 of the SIM1 protein (p.Gly407Arg). This variant is present in population databases (rs752813344, gnomAD 0.003%). This variant has not been reported in the literature in individuals affected with SIM1-related conditions. ClinVar contains an entry for this variant (Variation ID: 3351652). An algorithm developed to predict the effect of missense changes on protein structure and function (PolyPhen-2) suggests that this variant is likely to be disruptive. In summary, the available evidence is currently insufficient to determine the role of this variant in disease. Therefore, it has been classified as a Variant of Uncertain Significance.

PreventionGenetics, part of Exact Sciences
Classification: Uncertain significance for SIM1-related condition. Last evaluated: 2023-12-20. Review status: no assertion criteria provided. Collection method: clinical testing. Allele origin: germline. Not counted in ClinVar's aggregate classification.
Comment: The SIM1 c.1219G>C variant is predicted to result in the amino acid substitution p.Gly407Arg. To our knowledge, this variant has not been reported in the literature. This variant is reported in 0.0030% of alleles in individuals of Latino descent in gnomAD. At this time, the clinical significance of this variant is uncertain due to the absence of conclusive functional and genetic evidence.

NM_005068.3(SIM1):c.1219G>C (p.Gly407Arg)

Genes: SIM1 (SIM bHLH transcription factor 1; minus strand), SIM1-AS1 (SIM1 antisense RNA 1; plus strand). Cytogenetic location: 6q16.3.
Variant type: single nucleotide variant.
Coding change: c.1219G>C on transcript NM_005068.3 (MANE Select); coding-DNA position 1219, G replaced by C.
Protein change: p.Gly407Arg; replaces glycine 407 with arginine.
Molecular consequence: missense variant. On other transcripts: non-coding transcript variant (1).
Genome position (GRCh38, 1-based): chr6:100,393,838, C>G on the plus strand (G>C on the coding strand, the complement: SIM1 is on the minus strand). VCF-style: chr6-100393838-C-G. GRCh37 (hg19) VCF-style: chr6-100841714-C-G.
Other names: c.1219G>C, p.Gly407Arg (NM_001374769.1); short protein forms G407R.
Identifiers: ClinVar variation 3351652 (VCV003351652.2).